The following is an entry in ClinVar:

ClinVar aggregate classification (germline): Conflicting classifications of pathogenicity. Review status: criteria provided, conflicting classifications (1 of 4 stars). 6 submissions from 6 submitters: Uncertain significance (4); Benign (1); Likely benign (1). Last evaluated 2026-01-10.

Conditions:
Long QT syndrome (LQTS). Identifiers: MedGen C0023976, MeSH D008133, MONDO:0002442. Disease mechanism: loss of function. Inheritance: Various modes of inheritance.
arrhythmogenic disorders.
Timothy syndrome (TS). Also called: LONG QT SYNDROME WITH SYNDACTYLY. Identifiers: Orphanet 65283, MedGen C1832916, MeSH C536962, MONDO:0010979, OMIM 601005.
Cardiovascular phenotype. Identifiers: MedGen CN230736.

Allele frequency attached by ClinVar (database versions not stated): ExAC 0.00002; gnomAD exomes 0.00002; gnomAD 0.00003; TOPMed 0.00003; ESP Exome Variant Server 0.00008.
gnomAD v4.1: 42 of 1,611,904 alleles (0.0026%); highest among the groups gnomAD compares: Middle Eastern, 0.016%; no homozygotes.

Submissions (6):

Labcorp Genetics (formerly Invitae), Labcorp
Classification: Uncertain significance for Long QT syndrome. Last evaluated: 2026-01-10. Review status: criteria provided, single submitter. Criteria: Invitae Variant Classification Sherloc (09022015). Collection method: clinical testing. Allele origin: germline.
Comment: This sequence change replaces isoleucine, which is neutral and non-polar, with threonine, which is neutral and polar, at codon 938 of the CACNA1C protein (p.Ile938Thr). This variant is present in population databases (rs377165829, gnomAD 0.01%). This variant has not been reported in the literature in individuals affected with CACNA1C-related conditions. ClinVar contains an entry for this variant (Variation ID: 308140). Invitae Evidence Modeling of protein sequence and biophysical properties (such as structural, functional, and spatial information, amino acid conservation, physicochemical variation, residue mobility, and thermodynamic stability) indicates that this missense variant is not expected to disrupt CACNA1C protein function with a negative predictive value of 95%. In summary, the available evidence is currently insufficient to determine the role of this variant in disease. Therefore, it has been classified as a Variant of Uncertain Significance.

Molecular Diagnostic Laboratory for Inherited Cardiovascular Disease, Montreal Heart Institute
Classification: Uncertain significance for Cardiovascular phenotype. Last evaluated: 2025-04-09. Review status: criteria provided, single submitter. Criteria: ACMG Guidelines, 2015. Collection method: clinical testing. Allele origin: germline. Affected: yes.

Blueprint Genetics
Classification: Likely benign. Last evaluated: 2024-03-27. Review status: criteria provided, single submitter. Criteria: ACMG Guidelines, 2015. Collection method: clinical testing. Allele origin: germline.

Clinical Genomics Laboratory, Stanford Medicine
Classification: Uncertain significance for arrhythmogenic disorders; Timothy syndrome. Last evaluated: 2023-01-13. Review status: criteria provided, single submitter. Criteria: ACMG Guidelines, 2015. Collection method: clinical testing. Allele origin: germline. Observed: 1 variant allele, 1 heterozygote.
Comment: The p.Ile938Thr variant in the CACNA1C gene has not been previously reported in association with disease. This variant has been identified in 4/30596 South Asian chromosomes (6/249248 chromosomes overall) by the Genome Aggregation Database. This variant is present in ClinVar (Variation ID: 308140). The CACNA1C gene has fewer missense variants in the general population than expected. A low rate of missense variation may suggest that this gene is intolerant to missense variation. Computational tools predict that this variant is deleterious; however, the accuracy of in silico algorithms is limited. These data were assessed using the ACMG/AMP variant interpretation guidelines. In summary, the significance of the p.Ile938Thr variant is uncertain. Additional information is needed to resolve the significance of this variant. [ACMG evidence codes used: PP2; PP3]

Ambry Genetics
Classification: Benign for Cardiovascular phenotype. Last evaluated: 2022-02-14. Review status: criteria provided, single submitter. Criteria: Ambry Variant Classification Scheme 2023. Collection method: clinical testing. Allele origin: germline.

GeneDx
Classification: Uncertain significance. Last evaluated: 2016-06-10. Review status: criteria provided, single submitter. Criteria: GeneDx Variant Classification (06012015). Collection method: clinical testing. Allele origin: germline. Affected: yes.
Comment: A variant of uncertain significance has been identified in the TMEM43 gene. Haywood et al. (2013) observed theE124K variant in two unrelated individuals with ARVC who had a family history of ARVC/DCM, however, theyalso observed this variant in a homozygous state in a control individual. Segregation analysis of E124K with diseasein these families was not completed (Haywood et al., 2013). The NHLBI Exome Sequencing Project and the 1000 Genomes Project reportE124K was observed in 13/8600 (0.2%) alleles from individuals of European background and in 3/694 (0.4%) allelesfrom individuals of Ad Mixed American background, indicating it may be a rare benign variant in these populations.However, the E124K variant is a non-conservative amino acid substitution, which is likely to impact secondaryprotein structure as these residues differ in polarity, charge, size and/or other properties, and this substitution occurs ata position that is conserved across species. Nonetheless, in silico analysis is inconsistent in its predictions as towhether or not the variant is damaging to the protein structure/function.Therefore, based on the currently available information, it is unclear whether this variant is pathogenic or rare benign. This result cannot be interpreted for diagnosis or used for family member screening at this time.

NM_000719.7(CACNA1C):c.2813T>C (p.Ile938Thr)

Gene: CACNA1C (calcium voltage-gated channel subunit alpha1 C; plus strand). Cytogenetic location: 12p13.33.
Variant type: single nucleotide variant.
Coding change: c.2813T>C on transcript NM_000719.7 (MANE Select); coding-DNA position 2813, T replaced by C.
Protein change: p.Ile938Thr; replaces isoleucine 938 with threonine.
Molecular consequence: missense variant. On other transcripts: intron variant (8).
Genome position (GRCh38, 1-based): chr12:2,597,249, T>C. VCF-style: chr12-2597249-T-C. GRCh37 (hg19) VCF-style: chr12-2706415-T-C.
Other names: c.2813T>C, p.Ile938Thr (NM_001129827.2, NM_001129829.2, NM_001129831.2 and 10 more transcripts); c.2804T>C, p.Ile935Thr (NM_001129844.2); c.2794-188T>C (NM_001129840.2, NM_001129836.2, NM_001129841.2 and 5 more transcripts); c.2813T>C (NM_199460.3); short protein forms I938T, I935T.
Identifiers: ClinVar variation 308140 (VCV000308140.13), dbSNP rs377165829, ClinGen allele CA6389058.
Genomic context (GRCh38, chr12:2,597,249, plus strand): 5'-TTCCCCATCCCATCCCCACCCTGTTCCTTTTTGTTTTGCAGATTCTGTTTTATTTTGATA[T>C]TGTTTTTACCACCATTTTCACCATTGAAATTGCTCTGAAGGTAAAGCCCCCATCCCCTTC-3'
Protein context (NP_000710.5, residues 928-948): FRNHILFYFD[Ile938Thr]VFTTIFTIEI